The following is an entry in ClinVar:

ClinVar aggregate classification (germline): Uncertain significance (1 of 4 stars; one submission).

Conditions:
Hereditary hyperekplexia. Identifiers: Orphanet 3197, MedGen C4084968, MONDO:0021022.

Submission:

Labcorp Genetics (formerly Invitae), Labcorp
Classification: Uncertain significance for Hereditary hyperekplexia. Last evaluated: 2022-09-01. Review status: criteria provided, single submitter. Criteria: Invitae Variant Classification Sherloc (09022015). Collection method: clinical testing. Allele origin: germline.
Comment: This variant is not present in population databases (gnomAD no frequency). This variant has not been reported in the literature in individuals affected with GLRA1-related conditions. Advanced modeling of protein sequence and biophysical properties (such as structural, functional, and spatial information, amino acid conservation, physicochemical variation, residue mobility, and thermodynamic stability) performed at Invitae indicates that this missense variant is expected to disrupt GLRA1 protein function. In summary, the available evidence is currently insufficient to determine the role of this variant in disease. Therefore, it has been classified as a Variant of Uncertain Significance. This sequence change replaces tyrosine, which is neutral and polar, with cysteine, which is neutral and slightly polar, at codon 438 of the GLRA1 protein (p.Tyr438Cys).

NM_000171.4(GLRA1):c.1313A>G (p.Tyr438Cys)

Gene: GLRA1 (glycine receptor alpha 1; minus strand). Cytogenetic location: 5q33.1.
Variant type: single nucleotide variant.
Coding change: c.1313A>G on transcript NM_000171.4 (MANE Select); coding-DNA position 1313, A replaced by G.
Protein change: p.Tyr438Cys; replaces tyrosine 438 with cysteine.
Molecular consequence: missense variant.
Genome position (GRCh38, 1-based): chr5:151,822,710, T>C on the plus strand (A>G on the coding strand, the complement: GLRA1 is on the minus strand). VCF-style: chr5-151822710-T-C. GRCh37 (hg19) VCF-style: chr5-151202271-T-C.
Other names: c.1337A>G, p.Tyr446Cys (NM_001146040.2); c.1064A>G, p.Tyr355Cys (NM_001292000.2); short protein forms Y438C, Y446C, Y355C.
Identifiers: ClinVar variation 2090079 (VCV002090079.4), dbSNP rs2479886465, ClinGen allele CA361849678.